The following is an entry in ClinVar:

NM_020921.4(NIN):c.4781C>G (p.Thr1594Arg)

Gene: NIN (ninein; minus strand). Cytogenetic location: 14q22.1.
Variant type: single nucleotide variant.
Coding change: c.4781C>G on transcript NM_020921.4 (MANE Select); coding-DNA position 4781, C replaced by G.
Protein change: p.Thr1594Arg; replaces threonine 1594 with arginine.
Molecular consequence: missense variant.
Genome position (GRCh38, 1-based): chr14:50,752,687, G>C on the plus strand (C>G on the coding strand, the complement: NIN is on the minus strand). VCF-style: chr14-50752687-G-C. GRCh37 (hg19) VCF-style: chr14-51219405-G-C.
Other names: c.2642C>G, p.Thr881Arg (NM_016350.5); c.4781C>G, p.Thr1594Arg (NM_182944.3, NM_182946.2); short protein forms T881R, T1594R.
Identifiers: ClinVar variation 2154814 (VCV002154814.4), dbSNP rs750212282, ClinGen allele CA7181491.

ClinVar aggregate classification (germline): Uncertain significance (1 of 4 stars; one submission).

Allele frequency attached by ClinVar (database versions not stated): gnomAD 0.00001.
gnomAD v4.1: 17 of 1,605,828 alleles (0.0011%); highest among the groups gnomAD compares: Admixed American, 0.0084%; no homozygotes.

Submission:

Labcorp Genetics (formerly Invitae), Labcorp
Classification: Uncertain significance. Last evaluated: 2024-10-17. Review status: criteria provided, single submitter. Criteria: Invitae Variant Classification Sherloc (09022015). Collection method: clinical testing. Allele origin: germline.
Comment: This sequence change replaces threonine, which is neutral and polar, with arginine, which is basic and polar, at codon 1594 of the NIN protein (p.Thr1594Arg). This variant is present in population databases (rs750212282, gnomAD 0.009%). This variant has not been reported in the literature in individuals affected with NIN-related conditions. ClinVar contains an entry for this variant (Variation ID: 2154814). An algorithm developed to predict the effect of missense changes on protein structure and function (PolyPhen-2) suggests that this variant is likely to be tolerated. In summary, the available evidence is currently insufficient to determine the role of this variant in disease. Therefore, it has been classified as a Variant of Uncertain Significance.